The following is an entry in ClinVar:

ClinVar aggregate classification (germline): Pathogenic (1 of 4 stars; one submission).

Conditions:
Intellectual disability, autosomal recessive 53 (NEDHSCA). Also called: NEURODEVELOPMENTAL DISORDER WITH OR WITHOUT HYPOTONIA, SEIZURES, AND CEREBELLAR ATROPHY; GLYCOSYLPHOSPHATIDYLINOSITOL BIOSYNTHESIS DEFECT 13; Mental retardation, autosomal recessive 53. Identifiers: Orphanet 488635, MedGen C4310794, MONDO:0014832, OMIM 616917.

Allele frequency attached by ClinVar (database versions not stated): gnomAD exomes below 0.00001; TOPMed below 0.00001.

Submission:

Labcorp Genetics (formerly Invitae), Labcorp
Classification: Pathogenic for Intellectual disability, autosomal recessive 53. Last evaluated: 2023-04-27. Review status: criteria provided, single submitter. Criteria: Invitae Variant Classification Sherloc (09022015). Collection method: clinical testing. Allele origin: germline.
Comment: For these reasons, this variant has been classified as Pathogenic. This premature translational stop signal has been observed in individual(s) with PIGG-congenital disorder of glycosylation (PMID: 28581210). This variant is present in population databases (no rsID available, gnomAD 0.002%). This sequence change creates a premature translational stop signal (p.Trp547*) in the PIGG gene. It is expected to result in an absent or disrupted protein product. Loss-of-function variants in PIGG are known to be pathogenic (PMID: 26996948, 28581210, 28771251).

Literature cited by the submitters: PubMed 28581210; PubMed 26996948; PubMed 28771251.

NM_001127178.3(PIGG):c.1641G>A (p.Trp547Ter)

Gene: PIGG (phosphatidylinositol glycan anchor biosynthesis class G (EMM blood group); plus strand). Cytogenetic location: 4p16.3.
Variant type: single nucleotide variant.
Coding change: c.1641G>A on transcript NM_001127178.3 (MANE Select); coding-DNA position 1641, G replaced by A.
Protein change: p.Trp547Ter; replaces tryptophan 547 with a stop codon.
Molecular consequence: nonsense. On other transcripts: non-coding transcript variant (7).
Genome position (GRCh38, 1-based): chr4:523,485, G>A. VCF-style: chr4-523485-G-A. GRCh37 (hg19) VCF-style: chr4-517274-G-A.
Other names: c.1374G>A, p.Trp458Ter (NM_001289051.2, NM_001345986.2); c.1242G>A, p.Trp414Ter (NM_001289052.2); c.1350G>A, p.Trp450Ter (NM_001345987.2); c.612G>A, p.Trp204Ter (NM_001345988.2); c.108G>A, p.Trp36Ter (NM_001345990.2, NM_001345991.2); c.543G>A, p.Trp181Ter (NM_001345994.2); c.1617G>A, p.Trp539Ter (NM_017733.5); short protein forms W414*, W458*, W204*, W36*, W547*, W181*, W450*, W539*.
Identifiers: ClinVar variation 2859826 (VCV002859826.3), dbSNP rs1327006026, ClinGen allele CA355906487.